The following is an entry in ClinVar:

ClinVar aggregate classification (germline): Conflicting classifications of pathogenicity. Review status: criteria provided, conflicting classifications (1 of 4 stars). 14 submissions from 14 submitters: Uncertain significance (7); Likely benign (5). 2 of the submissions do not count toward it. Last evaluated 2026-06-01.

Conditions:
VPS13B-related disorder. Also called: VPS13B-related condition.
Inborn genetic diseases. Identifiers: MedGen C0950123, MeSH D030342.
Cohen syndrome (COH1). Also called: Cutis verticis gyrata, retinitis pigmentosa, and sensorineural deafness; PEPPER SYNDROME. Identifiers: Orphanet 193, MedGen C0265223, MONDO:0008999, OMIM 216550.

Allele frequency attached by ClinVar (database versions not stated): ExAC 0.00054; gnomAD exomes 0.00061; ESP Exome Variant Server 0.00062; gnomAD 0.00065 and 0.00068; TOPMed 0.00075.
gnomAD v4.1: 995 of 1,613,188 alleles (0.062%); highest among the groups gnomAD compares: Admixed American, 0.21%; 2 homozygotes.

Submissions (17):

CeGaT Center for Human Genetics Tuebingen
Classification: Likely benign. Last evaluated: 2026-06-01. Review status: criteria provided, single submitter. Criteria: CeGaT Center For Human Genetics Tuebingen Variant Classification Criteria Version 2. Collection method: clinical testing. Allele origin: germline. Affected: yes. Observed: 3 variant alleles.
Comment: VPS13B: BS2

Labcorp Genetics (formerly Invitae), Labcorp
Classification: Likely benign for Cohen syndrome. Last evaluated: 2026-01-28. Review status: criteria provided, single submitter. Criteria: Invitae Variant Classification Sherloc (09022015). Collection method: clinical testing. Allele origin: germline.

Blueprint Genetics
Classification: Likely benign. Last evaluated: 2024-10-18. Review status: criteria provided, single submitter. Criteria: ACMG Guidelines, 2015. Collection method: clinical testing. Allele origin: germline.

Revvity Omics, Revvity
Classification: Uncertain significance for Cohen syndrome. Last evaluated: 2022-06-08. Review status: criteria provided, single submitter. Criteria: ACMG Guidelines, 2015. Collection method: clinical testing. Allele origin: germline.

Genome-Nilou Lab
Classification: Uncertain significance for Cohen syndrome. Last evaluated: 2021-05-18. Review status: criteria provided, single submitter. Criteria: ACMG Guidelines, 2015. Collection method: clinical testing. Allele origin: germline. Affected: no.

Ambry Genetics
Classification: Uncertain significance for Inborn genetic diseases. Last evaluated: 2020-01-29. Review status: criteria provided, single submitter. Criteria: Ambry Variant Classification Scheme 2023. Collection method: clinical testing. Allele origin: germline.
Comment: The p.H520R variant (also known as c.1559A>G), located in coding exon 10 of the VPS13B gene, results from an A to G substitution at nucleotide position 1559. The histidine at codon 520 is replaced by arginine, an amino acid with highly similar properties. This amino acid position is highly conserved in available vertebrate species. In addition, this alteration is predicted to be deleterious by in silico analysis. Since supporting evidence is limited at this time, the clinical significance of this alteration remains unclear.

GeneDx
Classification: Likely benign. Last evaluated: 2018-08-31. Review status: criteria provided, single submitter. Criteria: GeneDx Variant Classification Process June 2021. Collection method: clinical testing. Allele origin: germline. Affected: yes.

Illumina Laboratory Services, Illumina
Classification: Uncertain significance for Cohen syndrome. Last evaluated: 2018-01-13. Review status: criteria provided, single submitter. Criteria: ICSL Variant Classification Criteria 13 December 2019. Collection method: clinical testing. Allele origin: germline.

Baylor Genetics
Classification: Uncertain significance for Cohen syndrome. Last evaluated: 2018-01-01. Review status: criteria provided, single submitter. Criteria: ACMG Guidelines, 2015. Collection method: clinical testing. Allele origin: paternal. Affected: yes.
Comment: This variant was determined to be of uncertain significance according to ACMG Guidelines, 2015 [PMID:25741868].

Center for Pediatric Genomic Medicine, Children's Mercy Hospital and Clinics
Classification: Likely benign. Last evaluated: 2016-12-09. Review status: criteria provided, single submitter. Criteria: ACMG Guidelines, 2015. Collection method: clinical testing. Allele origin: germline.
ClinVar note: Converted during submission from Likely Benign to Likely benign.

Genomic Diagnostic Laboratory, Division of Genomic Diagnostics, Children's Hospital of Philadelphia
Classification: Uncertain significance. Last evaluated: 2015-11-10. Review status: criteria provided, single submitter. Criteria: DGD Variant Analysis Guidelines. Collection method: clinical testing. Allele origin: unknown.

Eurofins Ntd Llc (ga)
Classification: Uncertain significance. Last evaluated: 2015-04-07. Review status: criteria provided, single submitter. Criteria: EGL Classification Definitions 2015. Collection method: clinical testing. Allele origin: germline. Observed: 2 variant alleles, 2 heterozygotes.

PreventionGenetics, part of Exact Sciences
Classification: Likely benign for VPS13B-related condition. Last evaluated: 2022-01-28. Review status: no assertion criteria provided. Collection method: clinical testing. Allele origin: germline. Not counted in ClinVar's aggregate classification.
Comment: This variant is classified as likely benign based on ACMG/AMP sequence variant interpretation guidelines (Richards et al. 2015 PMID: 25741868, with internal and published modifications).

Natera, Inc.
Classification: Likely benign for Cohen syndrome. Last evaluated: 2020-09-16. Review status: no assertion criteria provided. Collection method: clinical testing. Allele origin: germline. Not counted in ClinVar's aggregate classification.

Dr. Peter K. Rogan Lab, Western University
No classification provided (evidence only). Condition: Ovarian serous cystadenocarcinoma. Review status: no classification provided. Collection method: in vitro. Allele origin: not applicable. Functional consequence: retained intron. Not counted in ClinVar's aggregate classification.

Dr. Peter K. Rogan Lab, Western University
No classification provided (evidence only). Condition: Gastric cancer. Review status: no classification provided. Collection method: in vitro. Allele origin: not applicable. Functional consequence: retained intron. Not counted in ClinVar's aggregate classification.

Dr. Peter K. Rogan Lab, Western University
No classification provided (evidence only). Condition: Adrenocortical carcinoma, hereditary. Review status: no classification provided. Collection method: in vitro. Allele origin: not applicable. Functional consequence: retained intron. Not counted in ClinVar's aggregate classification.

NM_152564.5(VPS13B):c.1559A>G (p.His520Arg)

Gene: VPS13B (vacuolar protein sorting 13 homolog B; plus strand). Cytogenetic location: 8q22.2.
Variant type: single nucleotide variant.
Coding change: c.1559A>G on transcript NM_152564.5 (MANE Select); coding-DNA position 1559, A replaced by G.
Protein change: p.His520Arg; replaces histidine 520 with arginine.
Molecular consequence: missense variant.
Genome position (GRCh38, 1-based): chr8:99,135,729, A>G. VCF-style: chr8-99135729-A-G. GRCh37 (hg19) VCF-style: chr8-100147957-A-G.
Other names: c.1559A>G (NM_017890.3, NM_152564.4); c.1559A>G, p.His520Arg (NM_015243.3, NM_017890.5); short protein forms H520R.
Identifiers: ClinVar variation 193906 (VCV000193906.76), dbSNP rs143205296, ClinGen allele CA239617.